The following is an entry in ClinVar:

NM_001243177.4(ALDOA):c.763C>T (p.Arg255Cys)

Genes: ALDOA (aldolase, fructose-bisphosphate A; plus strand), LOC112694756 (uncharaterized LOC112694756; plus strand). Cytogenetic location: 16p11.2.
Variant type: single nucleotide variant.
Coding change: c.763C>T on transcript NM_001243177.4 (MANE Select); coding-DNA position 763, C replaced by T.
Protein change: p.Arg255Cys; replaces arginine 255 with cysteine.
Molecular consequence: missense variant. On other transcripts: 3 prime UTR variant (3).
Genome position (GRCh38, 1-based): chr16:30,069,366, C>T. VCF-style: chr16-30069366-C-T. GRCh37 (hg19) VCF-style: chr16-30080687-C-T.
Other names: c.*1110C>T (NM_001365304.2, NM_001365305.2, NM_001365307.2); c.601C>T, p.Arg201Cys (NM_001127617.2, NM_184041.5, NM_184043.2); short protein forms R255C, R201C.
Identifiers: ClinVar variation 2955074 (VCV002955074.2), dbSNP rs372394541, ClinGen allele CA280410666.

ClinVar aggregate classification (germline): Uncertain significance (1 of 4 stars; one submission).

Conditions:
HNSHA due to aldolase A deficiency (GSD12). Also called: GLYCOGEN STORAGE DISEASE XII; GSD XII; RED CELL ALDOLASE DEFICIENCY; Glycogen storage disease due to aldolase A deficiency. Identifiers: Orphanet 57, MedGen C0272066, MONDO:0012747, OMIM 611881.

Allele frequency attached by ClinVar (database versions not stated): gnomAD 0.00001; gnomAD exomes 0.00001; TOPMed 0.00002.
gnomAD v4.1: 19 of 1,614,042 alleles (0.0012%); highest among the groups gnomAD compares: South Asian, 0.0033%; no homozygotes.

Submission:

Labcorp Genetics (formerly Invitae), Labcorp
Classification: Uncertain significance for HNSHA due to aldolase A deficiency. Last evaluated: 2023-07-12. Review status: criteria provided, single submitter. Criteria: Invitae Variant Classification Sherloc (09022015). Collection method: clinical testing. Allele origin: germline.
Comment: In summary, the available evidence is currently insufficient to determine the role of this variant in disease. Therefore, it has been classified as a Variant of Uncertain Significance. Algorithms developed to predict the effect of missense changes on protein structure and function output the following: SIFT: "Not Available"; PolyPhen-2: "Benign"; Align-GVGD: "Not Available". The cysteine amino acid residue is found in multiple mammalian species, which suggests that this missense change does not adversely affect protein function. This variant has not been reported in the literature in individuals affected with ALDOA-related conditions. This variant is not present in population databases (gnomAD no frequency). This sequence change replaces arginine, which is basic and polar, with cysteine, which is neutral and slightly polar, at codon 201 of the ALDOA protein (p.Arg201Cys).